The following is an entry in ClinVar:

NM_001458.5(FLNC):c.6122C>A (p.Ala2041Asp)

Genes: FLNC (filamin C; plus strand), FLNC-AS1 (FLNC antisense RNA 1; minus strand). Cytogenetic location: 7q32.1.
Variant type: single nucleotide variant.
Coding change: c.6122C>A on transcript NM_001458.5 (MANE Select); coding-DNA position 6122, C replaced by A.
Protein change: p.Ala2041Asp; replaces alanine 2041 with aspartic acid.
Molecular consequence: missense variant.
Genome position (GRCh38, 1-based): chr7:128,852,945, C>A. VCF-style: chr7-128852945-C-A. GRCh37 (hg19) VCF-style: chr7-128492999-C-A.
Other names: c.6023C>A, p.Ala2008Asp (NM_001127487.2); short protein forms A2041D, A2008D.
Identifiers: ClinVar variation 654143 (VCV000654143.9), dbSNP rs1585168065, ClinGen allele CA369211307.

ClinVar aggregate classification (germline): Uncertain significance (1 of 4 stars; one submission).

Conditions:
Hypertrophic cardiomyopathy 26. Also called: Cardiomyopathy, familial hypertrophic, 26. Identifiers: Orphanet 75249, MedGen C4310749, MONDO:0014883, OMIM 617047.
Myofibrillar myopathy 5. Also called: FILAMINOPATHY, AUTOSOMAL DOMINANT; Filaminopathy (type). Identifiers: Orphanet 171445, MedGen C1836050, MONDO:0012289, OMIM 609524.
Distal myopathy with posterior leg and anterior hand involvement. Also called: WILLIAMS DISTAL MYOPATHY. Identifiers: Orphanet 63273, MedGen C3279722, MONDO:0013550, OMIM 614065.

Submission:

Labcorp Genetics (formerly Invitae), Labcorp
Classification: Uncertain significance for Distal myopathy with posterior leg and anterior hand involvement; Myofibrillar myopathy 5; Hypertrophic cardiomyopathy 26. Last evaluated: 2021-06-09. Review status: criteria provided, single submitter. Criteria: Invitae Variant Classification Sherloc (09022015). Collection method: clinical testing. Allele origin: germline.
Comment: In summary, the available evidence is currently insufficient to determine the role of this variant in disease. Therefore, it has been classified as a Variant of Uncertain Significance. Algorithms developed to predict the effect of missense changes on protein structure and function are either unavailable or do not agree on the potential impact of this missense change (SIFT: "Deleterious"; PolyPhen-2: "Probably Damaging"; Align-GVGD: "Class C0"). This variant has not been reported in the literature in individuals with FLNC-related disease. This variant is not present in population databases (ExAC no frequency). This sequence change replaces alanine with aspartic acid at codon 2041 of the FLNC protein (p.Ala2041Asp). The alanine residue is highly conserved and there is a moderate physicochemical difference between alanine and aspartic acid.